The following is an entry in ClinVar:

NM_000089.4(COL1A2):c.739-4T>G

Gene: COL1A2 (collagen type I alpha 2 chain; plus strand). Cytogenetic location: 7q21.3.
Variant type: single nucleotide variant.
Coding change: c.739-4T>G on transcript NM_000089.4 (MANE Select); 4 bases into the intron before coding-DNA position 739, T replaced by G.
Molecular consequence: intron variant.
Genome position (GRCh38, 1-based): chr7:94,408,766, T>G. VCF-style: chr7-94408766-T-G. GRCh37 (hg19) VCF-style: chr7-94038078-T-G.
Identifiers: ClinVar variation 507611 (VCV000507611.12), dbSNP rs373527410, ClinGen allele CA4346810.

ClinVar aggregate classification (germline): Likely benign. Review status: criteria provided, multiple submitters, no conflicts (2 of 4 stars). 3 submissions from 3 submitters: Likely benign (3). Last evaluated 2025-09-23.

Conditions:
Ehlers-Danlos syndrome, classic type, 1 (EDSCL1). Also called: EHLERS-DANLOS SYNDROME, GRAVIS TYPE; EHLERS-DANLOS SYNDROME, SEVERE CLASSIC TYPE; EDS I; Ehlers-Danlos Syndrome, Classic Type, COL5A1-Related; Ehlers-Danlos syndrome, type 1. Identifiers: MedGen C0268335, MONDO:0019567, OMIM 130000.
Osteogenesis imperfecta type I (OI1). Also called: OI, TYPE I; OSTEOGENESIS IMPERFECTA TARDA; OSTEOGENESIS IMPERFECTA WITH BLUE SCLERAE; Classic Non-deforming Osteogenesis Imperfecta with Blue Sclerae; Lobstein disease; Osteogenesis imperfecta type 1. Identifiers: Orphanet 216796, Orphanet 666, MedGen C0023931, MONDO:0008146, OMIM 166200. Disease mechanism: loss of function.
Cardiovascular phenotype. Identifiers: MedGen CN230736.

Allele frequency attached by ClinVar (database versions not stated): gnomAD exomes 0.00003 and below 0.00001; gnomAD 0.00009 and 0.00007; ExAC 0.00002; TOPMed 0.00012; ESP Exome Variant Server 0.00015.
gnomAD v4.1: 17 of 1,613,792 alleles (0.0011%); highest among the groups gnomAD compares: African/African-American, 0.023%; no homozygotes.

Submissions (3):

Labcorp Genetics (formerly Invitae), Labcorp
Classification: Likely benign for Osteogenesis imperfecta type I; Ehlers-Danlos syndrome, classic type, 1. Last evaluated: 2025-09-23. Review status: criteria provided, single submitter. Criteria: Invitae Variant Classification Sherloc (09022015). Collection method: clinical testing. Allele origin: germline.

Ambry Genetics
Classification: Likely benign for Cardiovascular phenotype. Last evaluated: 2025-01-18. Review status: criteria provided, single submitter. Criteria: Ambry Variant Classification Scheme 2023. Collection method: clinical testing. Allele origin: germline.

GeneDx
Classification: Likely benign. Last evaluated: 2017-02-27. Review status: criteria provided, single submitter. Criteria: GeneDx Variant Classification (06012015). Collection method: clinical testing. Allele origin: germline. Affected: yes.
Comment: This variant is considered likely benign or benign based on one or more of the following criteria: it is a conservative change, it occurs at a poorly conserved position in the protein, it is predicted to be benign by multiple in silico algorithms, and/or has population frequency not consistent with disease.